The following is an entry in ClinVar:

NM_130839.5(UBE3A):c.1244_1253dup (p.Gly419fs)

Genes: SNHG14 (small nucleolar RNA host gene 14; plus strand), UBE3A (ubiquitin protein ligase E3A; minus strand). Cytogenetic location: 15q11.2.
Variant type: Duplication.
Coding change: c.1244_1253dup on transcript NM_130839.5 (MANE Select); coding-DNA positions 1244 to 1253, 10 bases duplicated (GAAACAAGAA; older notation c.1244_1253dupGAAACAAGAA).
Protein change: p.Gly419fs; shifts the reading frame from glycine 419.
Molecular consequence: frameshift variant. On other transcripts: non-coding transcript variant (1), intron variant (2).
Genome position (GRCh38, 1-based): chr15:25,370,921-25,370,930, TTCTTGTTTC duplicated on the plus strand (GAAACAAGAA on the coding strand, the reverse complement: UBE3A is on the minus strand); duplicating any 10 consecutive bases within chr15:25,370,921-25,370,935 gives the same sequence; the c. name uses the placement nearest the transcript's 3' end. VCF-style (leftmost placement, unchanged base first): chr15-25370920-T-TTTCTTGTTTC. GRCh37 (hg19) VCF-style: chr15-25616067-T-TTTCTTGTTTC.
Other names: c.1184_1193dup, p.Gly399fs (NM_001354548.2, NM_001354549.2, NM_001374461.1 and 17 more transcripts); c.301+4535_301+4544dup (NM_001354551.2); c.361+4535_361+4544dup (NM_001354550.2); c.1253_1262dup, p.Gly422fs (NM_000462.5); c.1244_1253dup, p.Gly419fs (NM_001354505.1, NM_001354538.2, NM_001354545.2); c.1067_1076dup, p.Gly360fs (NM_001354546.2); short protein forms G399fs, G422fs, G360fs, G419fs.
Identifiers: ClinVar variation 280389 (VCV000280389.3), dbSNP rs886041603, ClinGen allele CA10603331.
Genomic context (GRCh38, chr15:25,370,920, plus strand): 5'-TTTTCGACAATCCAGGGTTTTAACACCAAGTTCAGTTTCCAGGGGGTCCACTCGAGGACC[T>TTTCTTGTTTC]TTCTTGTTTCTTCTTTCTTCTCCCAAAAGTTCCTGAAGTGTCAGCTCGCTGGACTCAGGG-3'

ClinVar aggregate classification (germline): Pathogenic (1 of 4 stars; one submission).

Conditions:
Angelman syndrome (AS). Also called: HAPPY PUPPET SYNDROME. Identifiers: Orphanet 72, MedGen C0162635, MONDO:0007113, OMIM 105830. Disease mechanism: loss of function. Inheritance: imprinting disorder, AS is caused by disruption of maternally imprinted UBE3A located within the 15q11.2-q13 Angelman syndrome/Prader-Willi syndrome (AS/PWS) region..

Submission:

GeneDx
Classification: Pathogenic. Last evaluated: 2016-03-14. Review status: criteria provided, single submitter. Criteria: GeneDx Variant Classification (06012015). Collection method: clinical testing. Allele origin: germline. Affected: yes.
Comment: The c.1184_1193dup10 pathogenic variant in the UBE3A gene causes a frameshift starting with codon Glycine 399, changes this amino acid to a Lysine residue and creates a premature Stop codon at position 13 of the new reading frame, denoted p.G399KfsX13. This pathogenic variant is predicted to cause loss of normal protein function either through protein truncation or nonsense-mediated mRNA decay. It was not observed in approximately 6,500 individuals of European and African American ancestry in the NHLBI Exome Sequencing Project, indicating it is not a common benign variant in these populations. Multiple other frameshift variants downstream of this position have been reported in the Human Gene Mutation Database in association with Angelman syndrome (Stenson et al., 2014).